The following is an entry in ClinVar:

ClinVar aggregate classification (germline): Uncertain significance (1 of 4 stars; one submission).

gnomAD v4.1: 5 of 1,353,930 alleles (0.00037%); highest among the groups gnomAD compares: South Asian, 0.0018%; no homozygotes.

Submission:

Women's Health and Genetics/Laboratory Corporation of America, LabCorp
Classification: Uncertain significance. Last evaluated: 2025-06-06. Review status: criteria provided, single submitter. Criteria: LabCorp Variant Classification Summary - May 2015. Collection method: clinical testing. Allele origin: germline.
Comment: Variant summary: PEX7 c.119A>G (p.Tyr40Cys) results in a non-conservative amino acid change in the encoded protein sequence. Algorithms developed to predict the effect of missense changes on protein structure and function all suggest that this variant is likely to be disruptive. The variant allele was found at a frequency of 3.8e-05 in 26572 control chromosomes (gnomAD). The available data on variant occurrences in the general population are insufficient to allow any conclusion about variant significance. c.119A>G has been observed in one individual affected with Rhizomelic Chondrodysplasia Punctata Type 1 (Fallatah_2021). These data do not allow any conclusion about variant significance. To our knowledge, no experimental evidence demonstrating an impact on protein function has been reported. The following publications have been ascertained in the context of this evaluation (PMID: 33337545, 34229749). No submitters have cited clinical-significance assessments for this variant to ClinVar. Based on the evidence outlined above, the variant was classified as uncertain significance.

Literature cited by the submitters: PubMed 34229749; PubMed 33337545.

NM_000288.4(PEX7):c.119A>G (p.Tyr40Cys)

Gene: PEX7 (peroxisomal biogenesis factor 7; plus strand). Cytogenetic location: 6q23.3.
Variant type: single nucleotide variant.
Coding change: c.119A>G on transcript NM_000288.4 (MANE Select); coding-DNA position 119, A replaced by G.
Protein change: p.Tyr40Cys; replaces tyrosine 40 with cysteine.
Molecular consequence: missense variant.
Genome position (GRCh38, 1-based): chr6:136,822,784, A>G. VCF-style: chr6-136822784-A-G. GRCh37 (hg19) VCF-style: chr6-137143922-A-G.
Other names: short protein forms Y40C.
Identifiers: ClinVar variation 3907321 (VCV003907321.1).